The following is an entry in ClinVar:

ClinVar aggregate classification (germline): Uncertain significance (1 of 4 stars; one submission).

Conditions:
Combined oxidative phosphorylation defect type 17. Also called: Combined oxidative phosphorylation deficiency 17. Identifiers: Orphanet 369913, MedGen C3809526, MONDO:0014190, OMIM 615440.

gnomAD v4.1: 22 of 1,614,136 alleles (0.0014%); highest among the groups gnomAD compares: South Asian, 0.0033%; no homozygotes.

Submission:

Labcorp Genetics (formerly Invitae), Labcorp
Classification: Uncertain significance for Combined oxidative phosphorylation defect type 17. Last evaluated: 2021-07-31. Review status: criteria provided, single submitter. Criteria: Invitae Variant Classification Sherloc (09022015). Collection method: clinical testing. Allele origin: germline.
Comment: This sequence change replaces glutamic acid with lysine at codon 216 of the ELAC2 protein (p.Glu216Lys). The glutamic acid residue is weakly conserved and there is a small physicochemical difference between glutamic acid and lysine. This variant is not present in population databases (ExAC no frequency). This variant has not been reported in the literature in individuals affected with ELAC2-related conditions. Algorithms developed to predict the effect of missense changes on protein structure and function (SIFT, PolyPhen-2, Align-GVGD) all suggest that this variant is likely to be tolerated. In summary, the available evidence is currently insufficient to determine the role of this variant in disease. Therefore, it has been classified as a Variant of Uncertain Significance.

NM_018127.7(ELAC2):c.646G>A (p.Glu216Lys)

Gene: ELAC2 (elaC ribonuclease Z 2; minus strand). Cytogenetic location: 17p12.
Variant type: single nucleotide variant.
Coding change: c.646G>A on transcript NM_018127.7 (MANE Select); coding-DNA position 646, G replaced by A.
Protein change: p.Glu216Lys; replaces glutamic acid 216 with lysine.
Molecular consequence: missense variant. On other transcripts: intron variant (1).
Genome position (GRCh38, 1-based): chr17:13,011,696, C>T on the plus strand (G>A on the coding strand, the complement: ELAC2 is on the minus strand). VCF-style: chr17-13011696-C-T. GRCh37 (hg19) VCF-style: chr17-12915013-C-T.
Other names: c.646G>A, p.Glu216Lys (NM_173717.2); c.560-1025G>A (NM_001165962.2); short protein forms E216K.
Identifiers: ClinVar variation 1450712 (VCV001450712.3), dbSNP rs1382116568, ClinGen allele CA398217431.
Genomic context (GRCh38, chr17:13,011,696, plus strand): 5'-GCTGCTCTGTTTTGTTTATACTATTACCATGTGGAAGGTGTGGCTCATTTTCATTCGACT[C>T]GGAGTCTGAAGATCGCTCTGGACTGAGCCTGCTGAGAGGCCTTTCTGGACTCTGCCATGG-3'
Protein context (NP_060597.4, residues 206-226): RLSPERSSDS[Glu216Lys]SNENEPHLPH